The following is an entry in ClinVar:

ClinVar aggregate classification (germline): Uncertain significance (1 of 4 stars; one submission).

Submission:

Labcorp Genetics (formerly Invitae), Labcorp
Classification: Uncertain significance. Last evaluated: 2024-07-29. Review status: criteria provided, single submitter. Criteria: Invitae Variant Classification Sherloc (09022015). Collection method: clinical testing. Allele origin: germline.
Comment: This sequence change replaces proline, which is neutral and non-polar, with serine, which is neutral and polar, at codon 625 of the KMT2B protein (p.Pro625Ser). The frequency data for this variant in the population databases is considered unreliable, as metrics indicate poor data quality at this position in the gnomAD database. This variant has not been reported in the literature in individuals affected with KMT2B-related conditions. Advanced modeling of protein sequence and biophysical properties (such as structural, functional, and spatial information, amino acid conservation, physicochemical variation, residue mobility, and thermodynamic stability) performed at Invitae indicates that this missense variant is not expected to disrupt KMT2B protein function with a negative predictive value of 95%. In summary, the available evidence is currently insufficient to determine the role of this variant in disease. Therefore, it has been classified as a Variant of Uncertain Significance.

NM_014727.3(KMT2B):c.1873C>T (p.Pro625Ser)

Gene: KMT2B (lysine methyltransferase 2B; plus strand). Cytogenetic location: 19q13.12.
Variant type: single nucleotide variant.
Coding change: c.1873C>T on transcript NM_014727.3 (MANE Select); coding-DNA position 1873, C replaced by T.
Protein change: p.Pro625Ser; replaces proline 625 with serine.
Molecular consequence: missense variant.
Genome position (GRCh38, 1-based): chr19:35,721,220, C>T. VCF-style: chr19-35721220-C-T. GRCh37 (hg19) VCF-style: chr19-36212122-C-T.
Other names: short protein forms P625S.
Identifiers: ClinVar variation 3609532 (VCV003609532.2).